The following is an entry in ClinVar:

NM_201384.3(PLEC):c.3757-6A>G

Gene: PLEC (plectin; minus strand). Cytogenetic location: 8q24.3.
Variant type: single nucleotide variant.
Coding change: c.3757-6A>G on transcript NM_201384.3 (MANE Select); 6 bases into the intron before coding-DNA position 3757, A replaced by G.
Molecular consequence: intron variant.
Genome position (GRCh38, 1-based): chr8:143,927,341, T>C on the plus strand (A>G on the coding strand, the complement: PLEC is on the minus strand). VCF-style: chr8-143927341-T-C. GRCh37 (hg19) VCF-style: chr8-145001509-T-C.
Other names: p.?; c.3838-6A>G (NM_000445.5); c.3715-6A>G (NM_201378.4); c.3691-6A>G (NM_201379.3); c.4168-6A>G (NM_201380.4); c.3661-6A>G (NM_201381.3); c.3757-6A>G (NM_201382.4); c.3769-6A>G (NM_201383.3).
Identifiers: ClinVar variation 93047 (VCV000093047.26), dbSNP rs11136333, ClinGen allele CA146362.

ClinVar aggregate classification (germline): Benign. Review status: criteria provided, multiple submitters, no conflicts (2 of 4 stars). 14 submissions from 10 submitters: Benign (13). 1 of the submissions does not count toward it. Last evaluated 2026-02-04.

Conditions:
Autosomal recessive limb-girdle muscular dystrophy type 2Q (LGMDR17). Also called: MUSCULAR DYSTROPHY, LIMB-GIRDLE, AUTOSOMAL RECESSIVE 17. Identifiers: Orphanet 254361, MedGen C3150989, MONDO:0013390, OMIM 613723.
Epidermolysis bullosa simplex 5C, with pyloric atresia (EBS5C). Also called: PLEC-Related Epidermolysis Bullosa with Pyloric Atresia; Epidermolysis bullosa simplex with pyloric atresia; PLEC1-Related Epidermolysis Bullosa with Pyloric Atresia. Identifiers: Orphanet 158684, MedGen C2677349, MONDO:0012807, OMIM 612138.
Epidermolysis bullosa simplex 5B, with muscular dystrophy (EBS5B). Also called: EPIDERMOLYSIS BULLOSA SIMPLEX AND LIMB-GIRDLE MUSCULAR DYSTROPHY; Epidermolysis bullosa simplex with muscular dystrophy. Identifiers: Orphanet 257, MedGen C2931072, MONDO:0009181, OMIM 226670.
Epidermolysis bullosa simplex with nail dystrophy (EBS5D). Identifiers: MedGen C4225309, MONDO:0014661, OMIM 616487.
Epidermolysis bullosa simplex, Ogna type (EBS5A). Also called: EPIDERMOLYSIS BULLOSA SIMPLEX 5A, OGNA TYPE; Pidermolysis bullosa simplex 5A, Ogna type. Identifiers: Orphanet 79401, MedGen C0432317, MONDO:0007555, OMIM 131950.

Allele frequency attached by ClinVar (database versions not stated): 1000 Genomes Project 30x 0.22923; 1000 Genomes Project 0.23083; TOPMed 0.28145; gnomAD 0.29944; ESP Exome Variant Server 0.30218; ExAC 0.34372.
gnomAD v4.1: 624,646 of 1,611,868 alleles (39%); highest among the groups gnomAD compares: Non-Finnish European, 42%; 127,623 homozygotes.

Submissions (14):

Labcorp Genetics (formerly Invitae), Labcorp
Classification: Benign for Autosomal recessive limb-girdle muscular dystrophy type 2Q; Epidermolysis bullosa simplex, Ogna type; Epidermolysis bullosa simplex with nail dystrophy; Epidermolysis bullosa simplex 5C, with pyloric atresia; Epidermolysis bullosa simplex 5B, with muscular dystrophy. Last evaluated: 2026-02-04. Review status: criteria provided, single submitter. Criteria: Invitae Variant Classification Sherloc (09022015). Collection method: clinical testing. Allele origin: germline.

Blueprint Genetics
Classification: Benign. Last evaluated: 2024-11-27. Review status: criteria provided, single submitter. Criteria: ACMG Guidelines, 2015. Collection method: clinical testing. Allele origin: germline.

Mayo Clinic Laboratories, Mayo Clinic
Classification: Benign. Last evaluated: 2022-12-19. Review status: criteria provided, single submitter. Criteria: ACMG Guidelines, 2015. Collection method: clinical testing. Allele origin: germline. Observed: 784 variant alleles.

Genome-Nilou Lab
Classification: Benign for Epidermolysis bullosa simplex with nail dystrophy. Last evaluated: 2021-10-25. Review status: criteria provided, single submitter. Criteria: ACMG Guidelines, 2015. Collection method: clinical testing. Allele origin: germline. Affected: no.

Genome-Nilou Lab
Classification: Benign for Epidermolysis bullosa simplex, Ogna type. Last evaluated: 2021-10-25. Review status: criteria provided, single submitter. Criteria: ACMG Guidelines, 2015. Collection method: clinical testing. Allele origin: germline. Affected: no.

Genome-Nilou Lab
Classification: Benign for Epidermolysis bullosa simplex 5B, with muscular dystrophy. Last evaluated: 2021-10-25. Review status: criteria provided, single submitter. Criteria: ACMG Guidelines, 2015. Collection method: clinical testing. Allele origin: germline. Affected: no.

Genome-Nilou Lab
Classification: Benign for Epidermolysis bullosa simplex 5C, with pyloric atresia. Last evaluated: 2021-10-25. Review status: criteria provided, single submitter. Criteria: ACMG Guidelines, 2015. Collection method: clinical testing. Allele origin: germline. Affected: no.

Genome-Nilou Lab
Classification: Benign for Autosomal recessive limb-girdle muscular dystrophy type 2Q. Last evaluated: 2021-10-25. Review status: criteria provided, single submitter. Criteria: ACMG Guidelines, 2015. Collection method: clinical testing. Allele origin: germline. Affected: no.

PreventionGenetics, part of Exact Sciences
Classification: Benign. Last evaluated: 2016-03-28. Review status: criteria provided, single submitter. Criteria: ACMG Guidelines, 2015. Collection method: clinical testing. Allele origin: germline.

GeneDx
Classification: Benign. Last evaluated: 2016-01-22. Review status: criteria provided, single submitter. Criteria: GeneDx Variant Classification (06012015). Collection method: clinical testing. Allele origin: germline. Affected: yes.
Comment: This variant is considered likely benign or benign based on one or more of the following criteria: it is a conservative change, it occurs at a poorly conserved position in the protein, it is predicted to be benign by multiple in silico algorithms, and/or has population frequency not consistent with disease.

Laboratory for Molecular Medicine, Mass General Brigham Personalized Medicine
Classification: Benign. Last evaluated: 2015-01-13. Review status: criteria provided, single submitter. Criteria: LMM Criteria. Collection method: clinical testing. Allele origin: germline. Observed: 9 variant alleles.
Comment: c.4168-6A>G in intron 27 of PLEC: This variant is not expected to have clinical significance because it has been identified in 40.9% (3457/8458) of European Ame rican chromosomes from a broad population by the NHLBI Exome Sequencing Project (dbSNP rs11136333).

Eurofins Ntd Llc (ga)
Classification: Benign. Last evaluated: 2013-05-08. Review status: criteria provided, single submitter. Criteria: EGL Classification Definitions 2015. Collection method: clinical testing. Allele origin: germline. Observed: 4 variant alleles, 2 heterozygotes, 2 homozygotes.

Breakthrough Genomics
Classification: Benign. Review status: criteria provided, single submitter. Criteria: ACMG Guidelines, 2015. Collection method: not provided. Allele origin: germline. Inheritance: Autosomal recessive inheritance. Affected: yes.

Genetic Services Laboratory, University of Chicago
Classification: Likely benign for AllHighlyPenetrant. Review status: no assertion criteria provided. Collection method: clinical testing. Allele origin: germline. Inheritance: Autosomal recessive inheritance. Not counted in ClinVar's aggregate classification.
Comment: Likely benign based on allele frequency in 1000 Genomes Project or ESP global frequency and its presence in a patient with a rare or unrelated disease phenotype. NOT Sanger confirmed.